The following is an entry in ClinVar:

ClinVar aggregate classification (germline): Likely benign. Review status: criteria provided, multiple submitters, no conflicts (2 of 4 stars). 3 submissions from 3 submitters: Likely benign (2). 1 of the submissions does not count toward it. Last evaluated 2026-02-01.

Conditions:
CAPN15-related disorder. Also called: CAPN15-related condition.

Allele frequency attached by ClinVar (database versions not stated): 1000 Genomes Project 30x 0.00172; 1000 Genomes Project 0.00200; TOPMed 0.00204; ExAC 0.00215; gnomAD 0.00227; ESP Exome Variant Server 0.00261; gnomAD exomes 0.00314.
gnomAD v4.1: 4,828 of 1,605,766 alleles (0.3%); highest among the groups gnomAD compares: Non-Finnish European, 0.38%; 9 homozygotes.

Submissions (3):

CeGaT Center for Human Genetics Tuebingen
Classification: Likely benign. Last evaluated: 2026-02-01. Review status: criteria provided, single submitter. Criteria: CeGaT Center For Human Genetics Tuebingen Variant Classification Criteria Version 2. Collection method: clinical testing. Allele origin: germline. Affected: yes. Observed: 3 variant alleles.
Comment: CAPN15: BP4, BP7

Blueprint Genetics
Classification: Likely benign. Last evaluated: 2024-10-21. Review status: criteria provided, single submitter. Criteria: ACMG Guidelines, 2015. Collection method: clinical testing. Allele origin: germline.

PreventionGenetics, part of Exact Sciences
Classification: Likely benign for CAPN15-related condition. Last evaluated: 2019-07-29. Review status: no assertion criteria provided. Collection method: clinical testing. Allele origin: germline. Not counted in ClinVar's aggregate classification.
Comment: This variant is classified as likely benign based on ACMG/AMP sequence variant interpretation guidelines (Richards et al. 2015 PMID: 25741868, with internal and published modifications).

NM_005632.3(CAPN15):c.1086C>T (p.Ala362=)

Gene: CAPN15 (calpain 15; plus strand). Cytogenetic location: 16p13.3.
Variant type: single nucleotide variant.
Coding change: c.1086C>T on transcript NM_005632.3 (MANE Select); coding-DNA position 1086, C replaced by T.
Protein change: p.Ala362=; no amino-acid change (alanine 362 retained).
Molecular consequence: synonymous variant.
Genome position (GRCh38, 1-based): chr16:547,924, C>T. VCF-style: chr16-547924-C-T. GRCh37 (hg19) VCF-style: chr16-597924-C-T.
Other names: c.1086C>T (NM_005632.2).
Identifiers: ClinVar variation 2645800 (VCV002645800.26), dbSNP rs149502771, ClinGen allele CA7778255.